The following is an entry in ClinVar:

NM_017757.3(ZNF407):c.2775G>T (p.Gly925=)

Genes: ZNF407 (zinc finger protein 407; plus strand), LOC126862798 (MED14-independent group 3 enhancer GRCh37_chr18:72345358-72346557; plus strand). Cytogenetic location: 18q22.3.
Variant type: single nucleotide variant.
Coding change: c.2775G>T on transcript NM_017757.3 (MANE Select); coding-DNA position 2775, G replaced by T.
Protein change: p.Gly925=; no amino-acid change (glycine 925 retained).
Molecular consequence: synonymous variant.
Genome position (GRCh38, 1-based): chr18:74,633,794, G>T. VCF-style: chr18-74633794-G-T. GRCh37 (hg19) VCF-style: chr18-72345750-G-T.
Other names: c.2775G>T, p.Gly925= (NM_001146189.1, NM_001146190.1, NM_001384475.1).
Identifiers: ClinVar variation 212661 (VCV000212661.17), dbSNP rs373502685, ClinGen allele CA207769.

ClinVar aggregate classification (germline): Likely benign. Review status: criteria provided, multiple submitters, no conflicts (2 of 4 stars). 3 submissions from 3 submitters: Likely benign (3). Last evaluated 2025-06-01.

Allele frequency attached by ClinVar (database versions not stated): gnomAD 0.00014; TOPMed 0.00016; ESP Exome Variant Server 0.00017.

Submissions (3):

CeGaT Center for Human Genetics Tuebingen
Classification: Likely benign. Last evaluated: 2025-06-01. Review status: criteria provided, single submitter. Criteria: CeGaT Center For Human Genetics Tuebingen Variant Classification Criteria Version 2. Collection method: clinical testing. Allele origin: germline. Affected: yes. Observed: 1 variant allele.
Comment: ZNF407: BP4, BP7

Labcorp Genetics (formerly Invitae), Labcorp
Classification: Likely benign. Last evaluated: 2018-12-14. Review status: criteria provided, single submitter. Criteria: Invitae Variant Classification Sherloc (09022015). Collection method: clinical testing. Allele origin: germline.

Genetic Services Laboratory, University of Chicago
Classification: Likely benign. Last evaluated: 2015-06-23. Review status: criteria provided, single submitter. Criteria: ACMG Guidelines, 2015. Collection method: clinical testing. Allele origin: germline.